The following is an entry in ClinVar:

NM_000548.5(TSC2):c.2593T>C (p.Tyr865His)

Gene: TSC2 (TSC complex subunit 2; plus strand). Cytogenetic location: 16p13.3.
Variant type: single nucleotide variant.
Coding change: c.2593T>C on transcript NM_000548.5 (MANE Select); coding-DNA position 2593, T replaced by C.
Protein change: p.Tyr865His; replaces tyrosine 865 with histidine.
Molecular consequence: missense variant. On other transcripts: non-coding transcript variant (5).
Genome position (GRCh38, 1-based): chr16:2,075,846, T>C. VCF-style: chr16-2075846-T-C. GRCh37 (hg19) VCF-style: chr16-2125847-T-C.
Other names: c.2593T>C, p.Tyr865His (NM_001077183.3, NM_001114382.3, NM_001363528.2 and 6 more transcripts); c.2482T>C, p.Tyr828His (NM_001318827.2, NM_001406670.1, NM_001406678.1); c.2446T>C, p.Tyr816His (NM_001318829.2, NM_001406675.1, NM_001406676.1 and 1 more transcripts); c.1993T>C, p.Tyr665His (NM_001318831.2, NM_001406680.1, NM_001406682.1 and 6 more transcripts); c.2626T>C, p.Tyr876His (NM_001318832.2); c.2683T>C, p.Tyr895His (NM_001406667.1, NM_001406668.1); c.2581T>C, p.Tyr861His (NM_001406671.1, NM_001406673.1); c.2536T>C, p.Tyr846His (NM_001406677.1); and 3 more; short protein forms Y331H, Y417H, Y665H, Y711H, Y816H, Y828H, Y846H, Y861H.
Identifiers: ClinVar variation 4975713 (VCV004975713.1).

ClinVar aggregate classification (germline): Uncertain significance (1 of 4 stars; one submission).

gnomAD v4.1: 2 of 1,613,098 alleles (0.00012%); highest among the groups gnomAD compares: East Asian, 0.0045%; no homozygotes.

Submission:

GeneDx
Classification: Uncertain significance. Last evaluated: 2026-01-29. Review status: criteria provided, single submitter. Criteria: GeneDx Variant Classification Process June 2021. Collection method: clinical testing. Allele origin: germline.
Comment: In silico analysis supports that this missense variant has a deleterious effect on protein structure/function; Has not been previously published as pathogenic or benign to our knowledge